The following is an entry in ClinVar:

ClinVar aggregate classification (germline): Likely benign. Review status: criteria provided, multiple submitters, no conflicts (2 of 4 stars). 2 submissions from 2 submitters: Likely benign (2). Last evaluated 2026-07-09.

Conditions:
Wilms tumor 1 (WT1). Also called: Wilms tumor, somatic. Identifiers: Orphanet 654, MedGen CN033288, MONDO:0008679, OMIM 194070.
Inborn genetic diseases. Identifiers: MedGen C0950123, MeSH D030342.

Submissions (2):

Ambry Genetics
Classification: Likely benign for Inborn genetic diseases. Last evaluated: 2026-07-09. Review status: criteria provided, single submitter. Criteria: Ambry Variant Classification Scheme 2023. Collection method: clinical testing. Allele origin: germline.

All of Us Research Program, National Institutes of Health
Classification: Likely benign for Wilms tumor 1. Last evaluated: 2023-12-13. Review status: criteria provided, single submitter. Criteria: ACMG Guidelines, 2015. Collection method: clinical testing. Allele origin: germline. Inheritance: Autosomal dominant inheritance. Observed: 1 variant allele, 1 heterozygote.
Comment: This study involves interpretation of variants in research participants for the purpose of population health screening. Participant phenotype was not available at the time of variant classification. Additional details can be found in publication PMID: 35346344, PMCID: PMC8962531

NM_024426.6(WT1):c.522T>G (p.Thr174=)

Genes: WT1 (WT1 transcription factor; minus strand), LOC107982234 (WT1/WT1-AS bi-directional promoter region; plus strand). Cytogenetic location: 11p13.
Variant type: single nucleotide variant.
Coding change: c.522T>G on transcript NM_024426.6 (MANE Select); coding-DNA position 522, T replaced by G.
Protein change: p.Thr174=; no amino-acid change (threonine 174 retained).
Molecular consequence: synonymous variant. On other transcripts: non-coding transcript variant (2).
Genome position (GRCh38, 1-based): chr11:32,434,839, A>C on the plus strand (T>G on the coding strand, the complement: WT1 is on the minus strand). VCF-style: chr11-32434839-A-C. GRCh37 (hg19) VCF-style: chr11-32456385-A-C.
Other names: c.522T>G, p.Thr174= (NM_000378.6, NM_001407044.1, NM_001407045.1 and 6 more transcripts); c.303T>G, p.Thr101= (NM_001429031.1, NM_001429032.1, NM_001429033.1 and 1 more transcripts); c.507T>G, p.Thr169= (NM_024425.2); c.507T>G (NM_024426.4).
Identifiers: ClinVar variation 3074982 (VCV003074982.2), dbSNP rs747958111, ClinGen allele CA473571533.